The following is an entry in ClinVar:

ClinVar aggregate classification (germline): Pathogenic/Likely pathogenic. Review status: criteria provided, multiple submitters, no conflicts (2 of 4 stars). 4 submissions from 4 submitters: Pathogenic (3); Likely pathogenic (1). Last evaluated 2023-10-19.

Conditions:
Glycogen storage disease type III (GSD3). Also called: FORBES DISEASE; Cori disease. Identifiers: Orphanet 366, MedGen C0017922, MONDO:0009291, OMIM 232400.

Submissions (4):

Baylor Genetics
Classification: Likely pathogenic for Glycogen storage disease type III. Last evaluated: 2023-10-19. Review status: criteria provided, single submitter. Criteria: ACMG Guidelines, 2015. Collection method: clinical testing. Allele origin: unknown.

Genome-Nilou Lab
Classification: Pathogenic for Glycogen storage disease type III. Last evaluated: 2023-04-11. Review status: criteria provided, single submitter. Criteria: ACMG Guidelines, 2015. Collection method: clinical testing. Allele origin: germline. Affected: no.

Labcorp Genetics (formerly Invitae), Labcorp
Classification: Pathogenic for Glycogen storage disease type III. Last evaluated: 2020-11-21. Review status: criteria provided, single submitter. Criteria: Invitae Variant Classification Sherloc (09022015). Collection method: clinical testing. Allele origin: germline.
Comment: This sequence change affects a donor splice site in intron 25 of the AGL gene. It is expected to disrupt RNA splicing. Variants that disrupt the donor or acceptor splice site typically lead to a loss of protein function (PMID: 16199547), and loss-of-function variants in AGL are known to be pathogenic (PMID: 19299494). For these reasons, this variant has been classified as Pathogenic. Algorithms developed to predict the effect of sequence changes on RNA splicing suggest that this variant may disrupt the consensus splice site, but this prediction has not been confirmed by published transcriptional studies. Disruption of this splice site has been observed in individual(s) with clinical features of glycogen storage disease type III (PMID: 10472540, Invitae). This variant is not present in population databases (ExAC no frequency).

Revvity Omics, Revvity
Classification: Pathogenic for Glycogen storage disease type III. Last evaluated: 2019-07-25. Review status: criteria provided, single submitter. Criteria: ACMG Guidelines, 2015. Collection method: clinical testing. Allele origin: germline.

Literature cited by the submitters: PubMed 16199547 (cited by Labcorp Genetics (formerly Invitae), Labcorp); PubMed 19299494 (cited by Labcorp Genetics (formerly Invitae), Labcorp); PubMed 10472540 (cited by Labcorp Genetics (formerly Invitae), Labcorp).

NM_000642.3(AGL):c.3362+2T>C

Gene: AGL (amylo-alpha-1,6-glucosidase and 4-alpha-glucanotransferase; plus strand). Cytogenetic location: 1p21.2.
Variant type: single nucleotide variant.
Coding change: c.3362+2T>C on transcript NM_000642.3 (MANE Select); the canonical splice donor site of the intron after coding-DNA position 3362, T replaced by C.
Molecular consequence: splice donor variant.
Genome position (GRCh38, 1-based): chr1:99,896,390, T>C. VCF-style: chr1-99896390-T-C. GRCh37 (hg19) VCF-style: chr1-100361946-T-C.
Other names: c.3362+2T>C (NM_000643.3, NM_000644.3, NM_001425325.1 and 1 more transcripts); c.3314+2T>C (NM_000646.3); c.3341+2T>C (NM_001425326.1); c.3161+2T>C (NM_001425327.1); c.3158+2T>C (NM_001425328.1); c.3023+2T>C (NM_001425329.1); c.2984+2T>C (NM_001425332.1).
Identifiers: ClinVar variation 1322918 (VCV001322918.13), dbSNP rs2100804114, ClinGen allele CA341329043.